The following is an entry in ClinVar:

ClinVar aggregate classification (germline): Uncertain significance. Review status: criteria provided, multiple submitters, no conflicts (2 of 4 stars). 2 submissions from 2 submitters: Uncertain significance (2). Last evaluated 2025-05-07.

Conditions:
Inborn genetic diseases. Identifiers: MedGen C0950123, MeSH D030342.
Microcephaly, epilepsy, and diabetes syndrome. Identifiers: Orphanet 306558, MedGen C3280240, MONDO:0100328.

Allele frequency attached by ClinVar (database versions not stated): TOPMed 0.00001; ExAC 0.00002; gnomAD 0.00002; gnomAD exomes 0.00003.
gnomAD v4.1: 42 of 1,569,810 alleles (0.0027%); highest among the groups gnomAD compares: Non-Finnish European, 0.0036%; no homozygotes.

Submissions (2):

Ambry Genetics
Classification: Uncertain significance for Inborn genetic diseases. Last evaluated: 2025-05-07. Review status: criteria provided, single submitter. Criteria: Ambry Variant Classification Scheme 2023. Collection method: clinical testing. Allele origin: germline.

Labcorp Genetics (formerly Invitae), Labcorp
Classification: Uncertain significance for Microcephaly, epilepsy, and diabetes syndrome. Last evaluated: 2022-06-18. Review status: criteria provided, single submitter. Criteria: Invitae Variant Classification Sherloc (09022015). Collection method: clinical testing. Allele origin: germline.
Comment: This sequence change replaces isoleucine, which is neutral and non-polar, with threonine, which is neutral and polar, at codon 73 of the IER3IP1 protein (p.Ile73Thr). This variant is present in population databases (rs765425942, gnomAD 0.005%). This variant has not been reported in the literature in individuals affected with IER3IP1-related conditions. Algorithms developed to predict the effect of missense changes on protein structure and function (SIFT, PolyPhen-2, Align-GVGD) all suggest that this variant is likely to be tolerated. In summary, the available evidence is currently insufficient to determine the role of this variant in disease. Therefore, it has been classified as a Variant of Uncertain Significance.

NM_016097.5(IER3IP1):c.218T>C (p.Ile73Thr)

Gene: IER3IP1 (immediate early response 3 interacting protein 1; minus strand). Cytogenetic location: 18q21.1.
Variant type: single nucleotide variant.
Coding change: c.218T>C on transcript NM_016097.5 (MANE Select); coding-DNA position 218, T replaced by C.
Protein change: p.Ile73Thr; replaces isoleucine 73 with threonine.
Molecular consequence: missense variant.
Genome position (GRCh38, 1-based): chr18:47,156,208, A>G on the plus strand (T>C on the coding strand, the complement: IER3IP1 is on the minus strand). VCF-style: chr18-47156208-A-G. GRCh37 (hg19) VCF-style: chr18-44682579-A-G.
Other names: c.218T>C (NM_016097.3); short protein forms I73T.
Identifiers: ClinVar variation 1961759 (VCV001961759.3), dbSNP rs765425942, ClinGen allele CA8955688.